The following is an entry in ClinVar:

NM_144997.7(FLCN):c.1214A>G (p.Tyr405Cys)

Gene: FLCN (folliculin; minus strand). Cytogenetic location: 17p11.2.
Variant type: single nucleotide variant.
Coding change: c.1214A>G on transcript NM_144997.7 (MANE Select); coding-DNA position 1214, A replaced by G.
Protein change: p.Tyr405Cys; replaces tyrosine 405 with cysteine.
Molecular consequence: missense variant.
Genome position (GRCh38, 1-based): chr17:17,216,466, T>C on the plus strand (A>G on the coding strand, the complement: FLCN is on the minus strand). VCF-style: chr17-17216466-T-C. GRCh37 (hg19) VCF-style: chr17-17119780-T-C.
Other names: c.1268A>G, p.Tyr423Cys (NM_001353229.2); c.1214A>G, p.Tyr405Cys (NM_001353230.2, NM_001353231.2); short protein forms Y405C, Y423C.
Identifiers: ClinVar variation 1691537 (VCV001691537.9), dbSNP rs2144859312, ClinGen allele CA398531896.

ClinVar aggregate classification (germline): Uncertain significance. Review status: criteria provided, multiple submitters, no conflicts (2 of 4 stars). 2 submissions from 2 submitters: Uncertain significance (2). Last evaluated 2022-08-13.

Conditions:
Birt-Hogg-Dube syndrome. Also called: Birt Hogg Dubé syndrome. Identifiers: Orphanet 122, MedGen C0346010, MONDO:0800444.

Submissions (2):

Labcorp Genetics (formerly Invitae), Labcorp
Classification: Uncertain significance for Birt-Hogg-Dube syndrome. Last evaluated: 2022-08-13. Review status: criteria provided, single submitter. Criteria: Invitae Variant Classification Sherloc (09022015). Collection method: clinical testing. Allele origin: germline.
Comment: This variant has not been reported in the literature in individuals affected with FLCN-related conditions. This variant is not present in population databases (gnomAD no frequency). This sequence change replaces tyrosine, which is neutral and polar, with cysteine, which is neutral and slightly polar, at codon 405 of the FLCN protein (p.Tyr405Cys). ClinVar contains an entry for this variant (Variation ID: 1691537). In summary, the available evidence is currently insufficient to determine the role of this variant in disease. Therefore, it has been classified as a Variant of Uncertain Significance. Algorithms developed to predict the effect of missense changes on protein structure and function (SIFT, PolyPhen-2, Align-GVGD) all suggest that this variant is likely to be disruptive.

St. Jude Molecular Pathology, St. Jude Children's Research Hospital
Classification: Uncertain significance for Birt-Hogg-Dube syndrome 1. Last evaluated: 2022-03-17. Review status: criteria provided, single submitter. Criteria: St. Jude Assertion Criteria 2020. Collection method: clinical testing. Allele origin: germline.
Comment: The FLCN c.1214A>G (p.Tyr405Cys) missense change is absent in gnomAD v2.1.1 (PM2_supporting). Six of seven in silico tools predict a deleterious effect of this variant on protein function (PP3), but to our knowledge these predictions have not been confirmed by functional assays. To our knowledge, this variant has not been reported in individuals with Birt-Hogg-Dubé syndrome. In summary, this variant meets criteria to be classified as of uncertain significance based on the ACMG/AMP criteria: PM2_supporting, PP3.